The following is an entry in ClinVar:

NC_000002.12:g.27309311_27310884delinsCAGG

Gene: MPV17 (mitochondrial inner membrane protein MPV17; minus strand). Cytogenetic location: 2p23.3.
Variant type: Indel.
Genome position: GRCh38: chr2:27,309,311-27,310,884. GRCh37 (hg19): chr2:27,532,179-27,533,752.
Other names: 1.5-KB DEL; 1.57-kb deletion spanning exon 8 of MPV17.
Identifiers: ClinVar variation 16166 (VCV000016166.4), ClinGen allele CA341387.

ClinVar aggregate classification (germline): Pathogenic. Review status: no assertion criteria provided (0 of 4 stars). 2 submissions from 2 submitters: Pathogenic (2). Last evaluated 2012-05-17.

Conditions:
Mitochondrial DNA depletion syndrome 6 (hepatocerebral type). Also called: Navajo neurohepatopathy; NAVAJO NEUROPATHY; Mitochondrial DNA depletion syndrome type 6. Identifiers: Orphanet 255229, MedGen C1850406, MONDO:0009747, OMIM 256810.

Submissions (2):

GeneReviews
Classification: Pathogenic for MPV17- Related Hepatocerebral Mitochondrial DNA Depletion Syndrome. Last evaluated: 2012-05-17. Review status: no assertion criteria provided. Collection method: curation. Allele origin: unknown.
ClinVar note: Converted during submission from pathologic to Pathogenic.

OMIM
Classification: Pathogenic for MITOCHONDRIAL DNA DEPLETION SYNDROME 6 (HEPATOCEREBRAL TYPE). Last evaluated: 2008-08-01. Review status: no assertion criteria provided. Collection method: literature only. Allele origin: germline.

Literature cited by the submitters: PubMed 18695062 (cited by OMIM).